The following is an entry in ClinVar:

NM_012233.3(RAB3GAP1):c.1326+15A>C

Gene: RAB3GAP1 (RAB3 GTPase activating protein catalytic subunit 1; plus strand). Cytogenetic location: 2q21.3.
Variant type: single nucleotide variant.
Coding change: c.1326+15A>C on transcript NM_012233.3 (MANE Select); 15 bases into the intron after coding-DNA position 1326, A replaced by C.
Molecular consequence: intron variant.
Genome position (GRCh38, 1-based): chr2:135,132,999, A>C. VCF-style: chr2-135132999-A-C. GRCh37 (hg19) VCF-style: chr2-135890569-A-C.
Other names: c.1326+15A>C (NM_001172435.2).
Identifiers: ClinVar variation 517898 (VCV000517898.6), dbSNP rs185076543, ClinGen allele CA1884812.
Genomic context (GRCh38, chr2:135,132,999, plus strand): 5'-TACTTCAACAGATAATAATAATCCTCCATCAGAGAGTGAAGACTATGTAAGTTGATGTGG[A>C]GTTCAATGTTAAAATGTTTTAAATGCACTGAATTTCTAGAGGTTCTATATATTTCTAGTT-3'

ClinVar aggregate classification (germline): Likely benign. Review status: criteria provided, multiple submitters, no conflicts (2 of 4 stars). 2 submissions from 2 submitters: Likely benign (2). Last evaluated 2024-09-30.

Allele frequency attached by ClinVar (database versions not stated): gnomAD exomes 0.00001 and 0.00004; ExAC 0.00004; ESP Exome Variant Server 0.00008; 1000 Genomes Project 30x 0.00016; gnomAD 0.00017 and 0.00018; 1000 Genomes Project 0.00020; TOPMed 0.00022.
gnomAD v4.1: 37 of 1,424,272 alleles (0.0026%); highest among the groups gnomAD compares: African/African-American, 0.038%; no homozygotes.

Submissions (2):

Labcorp Genetics (formerly Invitae), Labcorp
Classification: Likely benign. Last evaluated: 2024-09-30. Review status: criteria provided, single submitter. Criteria: Invitae Variant Classification Sherloc (09022015). Collection method: clinical testing. Allele origin: germline.

GeneDx
Classification: Likely benign. Last evaluated: 2017-06-05. Review status: criteria provided, single submitter. Criteria: GeneDx Variant Classification (06012015). Collection method: clinical testing. Allele origin: germline. Affected: yes.
Comment: This variant is considered likely benign or benign based on one or more of the following criteria: it is a conservative change, it occurs at a poorly conserved position in the protein, it is predicted to be benign by multiple in silico algorithms, and/or has population frequency not consistent with disease.